The following is an entry in ClinVar:

NM_144670.6(A2ML1):c.1503G>A (p.Met501Ile)

Gene: A2ML1 (alpha-2-macroglobulin like 1; plus strand). Cytogenetic location: 12p13.31.
Variant type: single nucleotide variant.
Coding change: c.1503G>A on transcript NM_144670.6 (MANE Select); coding-DNA position 1503, G replaced by A.
Protein change: p.Met501Ile; replaces methionine 501 with isoleucine.
Molecular consequence: missense variant.
Genome position (GRCh38, 1-based): chr12:8,845,468, G>A. VCF-style: chr12-8845468-G-A. GRCh37 (hg19) VCF-style: chr12-8998064-G-A.
Other names: c.30G>A, p.Met10Ile (NM_001282424.3); short protein forms M501I, M10I.
Identifiers: ClinVar variation 2449338 (VCV002449338.2), dbSNP rs2539233614, ClinGen allele CA383826768.

ClinVar aggregate classification (germline): Uncertain significance (1 of 4 stars; one submission).

Allele frequency attached by ClinVar (database versions not stated): gnomAD exomes below 0.00001.
gnomAD v4.1: 2 of 1,614,150 alleles (0.00012%); highest among the groups gnomAD compares: Admixed American, 0.0033%; no homozygotes.

Submission:

Ambry Genetics
Classification: Uncertain significance. Last evaluated: 2022-12-31. Review status: criteria provided, single submitter. Criteria: Ambry Variant Classification Scheme 2023. Collection method: clinical testing. Allele origin: germline.
Comment: The p.M501I variant (also known as c.1503G>A), located in coding exon 13 of the A2ML1 gene, results from a G to A substitution at nucleotide position 1503. The methionine at codon 501 is replaced by isoleucine, an amino acid with highly similar properties. This amino acid position is conserved. In addition, this alteration is predicted to be tolerated by in silico analysis. Since supporting evidence is limited at this time, the clinical significance of this alteration remains unclear.